The following is an entry in ClinVar:

ClinVar aggregate classification (germline): Uncertain significance (1 of 4 stars; one submission).

Conditions:
Sclerosteosis 2 (SOST2). Identifiers: Orphanet 3152, MedGen C3280402, MONDO:0013679, OMIM 614305.
Cenani-Lenz syndactyly syndrome. Also called: CENANI SYNDACTYLISM; SYNDACTYLY, TYPE VII. Identifiers: Orphanet 3258, MedGen C1859309, MONDO:0008931, OMIM 212780.
Congenital myasthenic syndrome 17. Identifiers: Orphanet 590, MedGen C4225377, MONDO:0014578, OMIM 616304.

Submission:

Labcorp Genetics (formerly Invitae), Labcorp
Classification: Uncertain significance for Cenani-Lenz syndactyly syndrome; Sclerosteosis 2; Congenital myasthenic syndrome 17. Last evaluated: 2019-04-09. Review status: criteria provided, single submitter. Criteria: Invitae Variant Classification Sherloc (09022015). Collection method: clinical testing. Allele origin: germline.
Comment: In summary, the available evidence is currently insufficient to determine the role of this variant in disease. Therefore, it has been classified as a Variant of Uncertain Significance. Nucleotide substitutions within the consensus splice site are a relatively common cause of aberrant splicing (PMID: 17576681, 9536098). Algorithms developed to predict the effect of sequence changes on RNA splicing suggest that this variant is not likely to affect RNA splicing, but this prediction has not been confirmed by published transcriptional studies. This variant has not been reported in the literature in individuals with LRP4-related conditions. This variant is not present in population databases (ExAC no frequency). This sequence change falls in intron 7 of the LRP4 gene. It does not directly change the encoded amino acid sequence of the LRP4 protein, but it affects a nucleotide within the consensus splice site of the intron.

Literature cited by the submitters: PubMed 17576681; PubMed 9536098.

NM_002334.4(LRP4):c.797-3C>T

Gene: LRP4 (LDL receptor related protein 4; minus strand). Cytogenetic location: 11p11.2.
Variant type: single nucleotide variant.
Coding change: c.797-3C>T on transcript NM_002334.4 (MANE Select); 3 bases into the intron before coding-DNA position 797, C replaced by T.
Molecular consequence: intron variant.
Genome position (GRCh38, 1-based): chr11:46,896,997, G>A on the plus strand (C>T on the coding strand, the complement: LRP4 is on the minus strand). VCF-style: chr11-46896997-G-A. GRCh37 (hg19) VCF-style: chr11-46918548-G-A.
Identifiers: ClinVar variation 946244 (VCV000946244.9), dbSNP rs1941546855, ClinGen allele CA1139661921.
Genomic context (GRCh38, chr11:46,896,997, plus strand): 5'-AGGCGGACACAGCGGCCTGAGTGACAGCGGAACTGTTCTGCCGTACACATGGAGGTGGCT[G>A]GGCAAAGCAAAGGCTTAATGAAAGGTGGGCCCCATTTCAGCCTGAAATTCTCCCTGCCAC-3'